The following is an entry in ClinVar:

ClinVar aggregate classification (germline): Benign. Review status: criteria provided, multiple submitters, no conflicts (2 of 4 stars). 4 submissions from 4 submitters: Benign (3). 1 of the submissions does not count toward it. Last evaluated 2026-01-27.

Conditions:
LAMB1-related disorder. Also called: LAMB1-related condition.

Allele frequency attached by ClinVar (database versions not stated): 1000 Genomes Project 30x 0.00640; 1000 Genomes Project 0.00659; TOPMed 0.01491; ExAC 0.01511; gnomAD exomes 0.01541; gnomAD 0.01563 and 0.01623; ESP Exome Variant Server 0.01738.
gnomAD v4.1: 32,257 of 1,613,944 alleles (2%); highest among the groups gnomAD compares: Non-Finnish European, 2.4%; 360 homozygotes.

Submissions (4):

Labcorp Genetics (formerly Invitae), Labcorp
Classification: Benign. Last evaluated: 2026-01-27. Review status: criteria provided, single submitter. Criteria: Invitae Variant Classification Sherloc (09022015). Collection method: clinical testing. Allele origin: germline.

GeneDx
Classification: Benign. Last evaluated: 2016-01-27. Review status: criteria provided, single submitter. Criteria: GeneDx Variant Classification (06012015). Collection method: clinical testing. Allele origin: germline. Affected: yes.
Comment: This variant is considered likely benign or benign based on one or more of the following criteria: it is a conservative change, it occurs at a poorly conserved position in the protein, it is predicted to be benign by multiple in silico algorithms, and/or has population frequency not consistent with disease.

Breakthrough Genomics
Classification: Benign. Review status: criteria provided, single submitter. Criteria: ACMG Guidelines, 2015. Collection method: not provided. Allele origin: germline. Inheritance: Autosomal recessive inheritance. Affected: yes.

PreventionGenetics, part of Exact Sciences
Classification: Benign for LAMB1-related condition. Last evaluated: 2019-07-30. Review status: no assertion criteria provided. Collection method: clinical testing. Allele origin: germline. Not counted in ClinVar's aggregate classification.
Comment: This variant is classified as benign based on ACMG/AMP sequence variant interpretation guidelines (Richards et al. 2015 PMID: 25741868, with internal and published modifications).

NM_002291.3(LAMB1):c.2869G>A (p.Asp957Asn)

Gene: LAMB1 (laminin subunit beta 1; minus strand). Cytogenetic location: 7q31.1.
Variant type: single nucleotide variant.
Coding change: c.2869G>A on transcript NM_002291.3 (MANE Select); coding-DNA position 2869, G replaced by A.
Protein change: p.Asp957Asn; replaces aspartic acid 957 with asparagine.
Molecular consequence: missense variant.
Genome position (GRCh38, 1-based): chr7:107,953,740, C>T on the plus strand (G>A on the coding strand, the complement: LAMB1 is on the minus strand). VCF-style: chr7-107953740-C-T. GRCh37 (hg19) VCF-style: chr7-107594185-C-T.
Other names: short protein forms D957N.
Identifiers: ClinVar variation 380919 (VCV000380919.12), dbSNP rs61751041, ClinGen allele CA4435490.
Genomic context (GRCh38, chr7:107,953,740, plus strand): 5'-GGCAAGGCTGACACGACCCCCCAACTTCTGATGGATTGCCAAAGTATCCTGAGGCACAGT[C>T]GTCACATCTGGAACCTGTCACCCGATAAAACCAAACACAAGATGTTTAGCTTATTGACTG-3'
Protein context (NP_002282.2, residues 947-967): DPGYIGSRCD[Asp957Asn]CASGYFGNPS